The following is an entry in ClinVar:

NM_005051.3(QARS1):c.277T>C (p.Tyr93His)

Gene: QARS1 (glutaminyl-tRNA synthetase 1; minus strand). Cytogenetic location: 3p21.31.
Variant type: single nucleotide variant.
Coding change: c.277T>C on transcript NM_005051.3 (MANE Select); coding-DNA position 277, T replaced by C.
Protein change: p.Tyr93His; replaces tyrosine 93 with histidine.
Molecular consequence: missense variant. On other transcripts: non-coding transcript variant (1).
Genome position (GRCh38, 1-based): chr3:49,103,961, A>G on the plus strand (T>C on the coding strand, the complement: QARS1 is on the minus strand). VCF-style: chr3-49103961-A-G. GRCh37 (hg19) VCF-style: chr3-49141394-A-G.
Other names: c.244T>C, p.Tyr82His (NM_001272073.2); short protein forms Y93H, Y82H.
Identifiers: ClinVar variation 1039087 (VCV001039087.2), dbSNP rs1205366710, ClinGen allele CA352721141.

ClinVar aggregate classification (germline): Uncertain significance (1 of 4 stars; one submission).

Conditions:
Diffuse cerebral and cerebellar atrophy - intractable seizures - progressive microcephaly syndrome. Also called: Microcephaly, progressive, with seizures and cerebral and cerebellar atrophy. Identifiers: Orphanet 404437, MedGen C4014239, MONDO:0014335, OMIM 615760.

Allele frequency attached by ClinVar (database versions not stated): gnomAD 0.00001; TOPMed 0.00002.
gnomAD v4.1: 4 of 1,613,580 alleles (0.00025%); highest among the groups gnomAD compares: African/African-American, 0.0027%; no homozygotes.

Submission:

Labcorp Genetics (formerly Invitae), Labcorp
Classification: Uncertain significance for Diffuse cerebral and cerebellar atrophy - intractable seizures - progressive microcephaly syndrome. Last evaluated: 2022-08-23. Review status: criteria provided, single submitter. Criteria: Invitae Variant Classification Sherloc (09022015). Collection method: clinical testing. Allele origin: germline.
Comment: This sequence change replaces tyrosine, which is neutral and polar, with histidine, which is basic and polar, at codon 93 of the QARS protein (p.Tyr93His). This variant is present in population databases (no rsID available, gnomAD 0.007%). This variant has not been reported in the literature in individuals affected with QARS-related conditions. ClinVar contains an entry for this variant (Variation ID: 1039087). Algorithms developed to predict the effect of missense changes on protein structure and function are either unavailable or do not agree on the potential impact of this missense change (SIFT: "Deleterious"; PolyPhen-2: "Possibly Damaging"; Align-GVGD: "Class C0"). In summary, the available evidence is currently insufficient to determine the role of this variant in disease. Therefore, it has been classified as a Variant of Uncertain Significance.